The following is an entry in ClinVar:

NC_000001.11:g.20661370G>C

Gene: DDOST (dolichyl-diphosphooligosaccharide--protein glycosyltransferase non-catalytic subunit; minus strand). Cytogenetic location: 1p36.12.
Variant type: single nucleotide variant.
Genome position: GRCh38 VCF-style: chr1-20661370-G-C. GRCh37 (hg19) VCF-style: chr1-20987863-G-C.
Identifiers: ClinVar variation 639294 (VCV000639294.9), dbSNP rs140102515, ClinGen allele CA661395.

ClinVar aggregate classification (germline): Uncertain significance (1 of 4 stars; one submission).

Conditions:
Congenital disorder of glycosylation type Ir (CDG1R). Also called: DDOST-congenital disorder of glycosylation. Identifiers: Orphanet 300536, MedGen C3281084, MONDO:0013789, OMIM 614507.

Allele frequency attached by ClinVar (database versions not stated): TOPMed 0.00001.

Submission:

Labcorp Genetics (formerly Invitae), Labcorp
Classification: Uncertain significance for Congenital disorder of glycosylation type Ir. Last evaluated: 2022-01-14. Review status: criteria provided, single submitter. Criteria: Invitae Variant Classification Sherloc (09022015). Collection method: clinical testing. Allele origin: germline.
Comment: This sequence change replaces serine, which is neutral and polar, with cysteine, which is neutral and slightly polar, at codon 11 of the DDOST protein (p.Ser11Cys). This variant is present in population databases (rs140102515, gnomAD 0.03%). This variant has not been reported in the literature in individuals affected with DDOST-related conditions. ClinVar contains an entry for this variant (Variation ID: 639294). Algorithms developed to predict the effect of missense changes on protein structure and function (SIFT, PolyPhen-2, Align-GVGD) all suggest that this variant is likely to be tolerated. In summary, the available evidence is currently insufficient to determine the role of this variant in disease. Therefore, it has been classified as a Variant of Uncertain Significance.